The following is an entry in ClinVar:

ClinVar aggregate classification (germline): Uncertain significance. Review status: criteria provided, multiple submitters, no conflicts (2 of 4 stars). 2 submissions from 2 submitters: Uncertain significance (2). Last evaluated 2023-08-17.

Conditions:
Early Myoclonic Encephalopathy. Identifiers: MedGen C0270855.

Allele frequency attached by ClinVar (database versions not stated): TOPMed 0.00003; gnomAD 0.00006; ExAC 0.00002.

Submissions (2):

Labcorp Genetics (formerly Invitae), Labcorp
Classification: Uncertain significance for Early Myoclonic Encephalopathy. Last evaluated: 2023-08-17. Review status: criteria provided, single submitter. Criteria: Invitae Variant Classification Sherloc (09022015). Collection method: clinical testing. Allele origin: germline.
Comment: ClinVar contains an entry for this variant (Variation ID: 1052767). Advanced modeling of protein sequence and biophysical properties (such as structural, functional, and spatial information, amino acid conservation, physicochemical variation, residue mobility, and thermodynamic stability) performed at Invitae indicates that this missense variant is not expected to disrupt JMJD1C protein function. In summary, the available evidence is currently insufficient to determine the role of this variant in disease. Therefore, it has been classified as a Variant of Uncertain Significance. This sequence change replaces proline, which is neutral and non-polar, with threonine, which is neutral and polar, at codon 416 of the JMJD1C protein (p.Pro416Thr). This variant is present in population databases (rs745857621, gnomAD 0.02%). This variant has not been reported in the literature in individuals affected with JMJD1C-related conditions.

Ambry Genetics
Classification: Uncertain significance. Last evaluated: 2022-07-20. Review status: criteria provided, single submitter. Criteria: Ambry Variant Classification Scheme 2023. Collection method: clinical testing. Allele origin: germline.

NM_032776.3(JMJD1C):c.1246C>A (p.Pro416Thr)

Gene: JMJD1C (jumonji domain containing 1C; minus strand). Cytogenetic location: 10q21.3.
Variant type: single nucleotide variant.
Coding change: c.1246C>A on transcript NM_032776.3 (MANE Select); coding-DNA position 1246, C replaced by A.
Protein change: p.Pro416Thr; replaces proline 416 with threonine.
Molecular consequence: missense variant. On other transcripts: non-coding transcript variant (1).
Genome position (GRCh38, 1-based): chr10:63,214,921, G>T on the plus strand (C>A on the coding strand, the complement: JMJD1C is on the minus strand). VCF-style: chr10-63214921-G-T. GRCh37 (hg19) VCF-style: chr10-64974681-G-T.
Other names: c.589C>A, p.Pro197Thr (NM_001322258.2, NM_001322254.2); c.700C>A, p.Pro234Thr (NM_001282948.2, NM_001318154.2); c.382C>A, p.Pro128Thr (NM_001318153.2); c.1132C>A, p.Pro378Thr (NM_001322252.2); c.1246C>A (NM_032776.1); short protein forms P128T, P197T, P234T, P378T, P416T.
Identifiers: ClinVar variation 1052767 (VCV001052767.10), dbSNP rs745857621, ClinGen allele CA5518841.